The following is an entry in ClinVar:

NM_002878.4(RAD51D):c.293A>G (p.Tyr98Cys)

Genes: RAD51D (RAD51 paralog D; minus strand), RAD51L3-RFFL (RAD51L3-RFFL readthrough; minus strand). Cytogenetic location: 17q12.
Variant type: single nucleotide variant.
Coding change: c.293A>G on transcript NM_002878.4 (MANE Select); coding-DNA position 293, A replaced by G.
Protein change: p.Tyr98Cys; replaces tyrosine 98 with cysteine.
Molecular consequence: missense variant. On other transcripts: non-coding transcript variant (2), intron variant (1).
Genome position (GRCh38, 1-based): chr17:35,107,418, T>C on the plus strand (A>G on the coding strand, the complement: RAD51D is on the minus strand). VCF-style: chr17-35107418-T-C. GRCh37 (hg19) VCF-style: chr17-33434437-T-C.
Other names: c.353A>G, p.Tyr118Cys (NM_001142571.2); c.145-937A>G (NM_133629.3); short protein forms Y98C, Y118C.
Identifiers: ClinVar variation 482205 (VCV000482205.8), dbSNP rs770147648, ClinGen allele CA8499521.

ClinVar aggregate classification (germline): Uncertain significance. Review status: criteria provided, multiple submitters, no conflicts (2 of 4 stars). 3 submissions from 3 submitters: Uncertain significance (3). Last evaluated 2025-07-24.

Conditions:
Familial ovarian cancer. Identifiers: MedGen C5679802, MONDO:0016248.
Hereditary cancer-predisposing syndrome. Also called: Neoplastic Syndromes, Hereditary; Tumor predisposition; Hereditary Cancer Syndrome; Hereditary neoplastic syndrome. Identifiers: Orphanet 140162, MedGen C0027672, MeSH D009386, MONDO:0015356.

Allele frequency attached by ClinVar (database versions not stated): gnomAD exomes below 0.00001; ExAC 0.00001.
gnomAD v4.1: 3 of 1,562,946 alleles (0.00019%); highest among the groups gnomAD compares: East Asian, 0.0022%; no homozygotes.

Submissions (3):

Quest Diagnostics Nichols Institute San Juan Capistrano
Classification: Uncertain significance. Last evaluated: 2025-07-24. Review status: criteria provided, single submitter. Criteria: Quest Diagnostics criteria. Collection method: clinical testing. Allele origin: unknown.
Comment: The RAD51D c.293A>G (p.Tyr98Cys) variant has not been reported in individuals with RAD51D-related conditions in the published literature. The frequency of this variant in the general population (Genome Aggregation Database) is uninformative in the assessment of its pathogenicity. Analysis of this variant using bioinformatics tools for the prediction of the effect of amino acid changes on protein structure and function yielded predictions that this variant is damaging. Based on the available information, we are unable to determine the clinical significance of this variant.

Molecular Pathology, Peter Maccallum Cancer Centre
Classification: Uncertain significance for Familial ovarian cancer. Last evaluated: 2025-05-16. Review status: criteria provided, single submitter. Criteria: ACMG Guidelines, 2015. Collection method: clinical testing. Allele origin: germline. Inheritance: Autosomal dominant inheritance.

Ambry Genetics
Classification: Uncertain significance for Hereditary cancer-predisposing syndrome. Last evaluated: 2024-06-17. Review status: criteria provided, single submitter. Criteria: Ambry Variant Classification Scheme 2023. Collection method: clinical testing. Allele origin: germline.
Comment: The p.Y98C variant (also known as c.293A>G), located in coding exon 4 of the RAD51D gene, results from an A to G substitution at nucleotide position 293. The tyrosine at codon 98 is replaced by cysteine, an amino acid with highly dissimilar properties. This amino acid position is highly conserved in available vertebrate species. In addition, this alteration is predicted to be deleterious by in silico analysis. Based on the available evidence, the clinical significance of this variant remains unclear.